The following is an entry in ClinVar:

ClinVar aggregate classification (germline): Uncertain significance. Review status: criteria provided, multiple submitters, no conflicts (2 of 4 stars). 3 submissions from 3 submitters: Uncertain significance (3). Last evaluated 2025-12-22.

Conditions:
Hereditary cancer-predisposing syndrome. Also called: Neoplastic Syndromes, Hereditary; Hereditary neoplastic syndrome; Hereditary Cancer Syndrome; Tumor predisposition. Identifiers: Orphanet 140162, MedGen C0027672, MeSH D009386, MONDO:0015356.
POLD1-related polyposis and colorectal cancer syndrome (CRCS10). Also called: Colorectal cancer, susceptibility to, 10; Colorectal cancer 10; COLORECTAL CANCER, SUSCEPTIBILITY TO, ON CHROMOSOME 19q. Identifiers: Orphanet 220460, MedGen C2675481, MONDO:0012953, OMIM 612591.

Allele frequency attached by ClinVar (database versions not stated): gnomAD 0.00002 and 0.00003; TOPMed 0.00002; ExAC 0.00009.
gnomAD v4.1: 10 of 1,542,020 alleles (0.00065%); highest among the groups gnomAD compares: African/African-American, 0.0055%; no homozygotes.

Submissions (3):

Labcorp Genetics (formerly Invitae), Labcorp
Classification: Uncertain significance for POLD1-related polyposis and colorectal cancer syndrome. Last evaluated: 2025-12-22. Review status: criteria provided, single submitter. Criteria: Invitae Variant Classification Sherloc (09022015). Collection method: clinical testing. Allele origin: germline.
Comment: This sequence change replaces valine, which is neutral and non-polar, with isoleucine, which is neutral and non-polar, at codon 922 of the POLD1 protein (p.Val922Ile). The frequency data for this variant in the population databases is considered unreliable, as metrics indicate poor data quality at this position in the gnomAD database. This variant has not been reported in the literature in individuals affected with POLD1-related conditions. ClinVar contains an entry for this variant (Variation ID: 407968). Invitae Evidence Modeling of protein sequence and biophysical properties (such as structural, functional, and spatial information, amino acid conservation, physicochemical variation, residue mobility, and thermodynamic stability) indicates that this missense variant is not expected to disrupt POLD1 protein function with a negative predictive value of 80%. In summary, the available evidence is currently insufficient to determine the role of this variant in disease. Therefore, it has been classified as a Variant of Uncertain Significance.

Ambry Genetics
Classification: Uncertain significance for Hereditary cancer-predisposing syndrome. Last evaluated: 2025-09-04. Review status: criteria provided, single submitter. Criteria: Ambry Variant Classification Scheme 2023. Collection method: clinical testing. Allele origin: germline.
Comment: The p.V922I variant (also known as c.2764G>A), located in coding exon 21 of the POLD1 gene, results from a G to A substitution at nucleotide position 2764. The valine at codon 922 is replaced by isoleucine, an amino acid with highly similar properties. This amino acid position is conserved. In addition, this alteration is predicted to be tolerated by in silico analysis. Based on the available evidence, the clinical significance of this variant remains unclear.

GeneDx
Classification: Uncertain significance. Last evaluated: 2019-07-31. Review status: criteria provided, single submitter. Criteria: GeneDx Variant Classification Process June 2021. Collection method: clinical testing. Allele origin: germline. Affected: yes.
Comment: In silico analysis, which includes protein predictors and evolutionary conservation, supports that this variant does not alter protein structure/function; Has not been previously published as pathogenic or benign to our knowledge

NM_002691.4(POLD1):c.2764G>A (p.Val922Ile)

Gene: POLD1 (DNA polymerase delta 1, catalytic subunit; plus strand). Cytogenetic location: 19q13.33.
Variant type: single nucleotide variant.
Coding change: c.2764G>A on transcript NM_002691.4 (MANE Select); coding-DNA position 2764, G replaced by A.
Protein change: p.Val922Ile; replaces valine 922 with isoleucine.
Molecular consequence: missense variant.
Genome position (GRCh38, 1-based): chr19:50,415,770, G>A. VCF-style: chr19-50415770-G-A. GRCh37 (hg19) VCF-style: chr19-50919027-G-A.
Other names: c.2764G>A, p.Val922Ile (LRG_785t1, NM_001256849.1); c.2842G>A, p.Val948Ile (NM_001308632.1, LRG_785t2); c.2764G>A (NM_002691.2); short protein forms V922I, V948I.
Identifiers: ClinVar variation 407968 (VCV000407968.12), dbSNP rs775310798, ClinGen allele CA9596654.